The following is an entry in ClinVar:

NM_001291415.2(KDM6A):c.212C>A (p.Ala71Asp)

Gene: KDM6A (lysine demethylase 6A; plus strand). Cytogenetic location: Xp11.3.
Variant type: single nucleotide variant.
Coding change: c.212C>A on transcript NM_001291415.2 (MANE Select); coding-DNA position 212, C replaced by A.
Protein change: p.Ala71Asp; replaces alanine 71 with aspartic acid.
Molecular consequence: missense variant. On other transcripts: 5 prime UTR variant (1), non-coding transcript variant (1).
Genome position (GRCh38, 1-based): chrX:44,873,974, C>A. VCF-style: chrX-44873974-C-A. GRCh37 (hg19) VCF-style: chrX-44733220-C-A.
Other names: c.212C>A, p.Ala71Asp (NM_001291416.2, NM_001291417.2, NM_001291418.2 and 9 more transcripts); c.-421C>A (NM_001291421.2); short protein forms A71D.
Identifiers: ClinVar variation 4996937 (VCV004996937.1).

ClinVar aggregate classification (germline): Uncertain significance (1 of 4 stars; one submission).

Conditions:
KDM6A-related disorder. Also called: KDM6A-related condition.

Submission:

PreventionGenetics, part of Exact Sciences
Classification: Uncertain significance for KDM6A-related condition. Last evaluated: 2024-11-27. Review status: criteria provided, single submitter. Criteria: ACMG Guidelines, 2015. Collection method: clinical testing. Allele origin: germline.
Comment: The KDM6A c.212C>A variant is predicted to result in the amino acid substitution p.Ala71Asp. To our knowledge, this variant has not been reported in the literature or in a large population database (gnomAD), indicating this variant is rare. At this time, the clinical significance of this variant is uncertain due to the absence of conclusive functional and genetic evidence.